The following is an entry in ClinVar:

ClinVar aggregate classification (germline): Uncertain significance (1 of 4 stars; one submission).

Conditions:
Angelman syndrome (AS). Also called: HAPPY PUPPET SYNDROME. Identifiers: Orphanet 72, MedGen C0162635, MONDO:0007113, OMIM 105830. Disease mechanism: loss of function. Inheritance: AS is caused by disruption of maternally imprinted UBE3A located within the 15q11.2-q13 Angelman syndrome/Prader-Willi syndrome (AS/PWS) region., imprinting disorder.

Allele frequency attached by ClinVar (database versions not stated): gnomAD exomes below 0.00001; ExAC 0.00001.
gnomAD v4.1: 6 of 1,614,076 alleles (0.00037%); highest among the groups gnomAD compares: African/African-American, 0.0013%; no homozygotes.

Submission:

Labcorp Genetics (formerly Invitae), Labcorp
Classification: Uncertain significance for Angelman syndrome. Last evaluated: 2025-12-28. Review status: criteria provided, single submitter. Criteria: Invitae Variant Classification Sherloc (09022015). Collection method: clinical testing. Allele origin: germline.
Comment: This sequence change replaces asparagine, which is neutral and polar, with aspartic acid, which is acidic and polar, at codon 370 of the UBE3A protein (p.Asn370Asp). This variant is present in population databases (rs765910610, gnomAD 0.007%). This variant has not been reported in the literature in individuals affected with UBE3A-related conditions. ClinVar contains an entry for this variant (Variation ID: 1485850). Invitae Evidence Modeling of protein sequence and biophysical properties (such as structural, functional, and spatial information, amino acid conservation, physicochemical variation, residue mobility, and thermodynamic stability) has been performed for this missense variant. However, the output from this modeling did not meet the statistical confidence thresholds required to predict the impact of this variant on UBE3A protein function. In summary, the available evidence is currently insufficient to determine the role of this variant in disease. Therefore, it has been classified as a Variant of Uncertain Significance.

NM_130839.5(UBE3A):c.1168A>G (p.Asn390Asp)

Genes: SNHG14 (small nucleolar RNA host gene 14; plus strand), UBE3A (ubiquitin protein ligase E3A; minus strand). Cytogenetic location: 15q11.2.
Variant type: single nucleotide variant.
Coding change: c.1168A>G on transcript NM_130839.5 (MANE Select); coding-DNA position 1168, A replaced by G.
Protein change: p.Asn390Asp; replaces asparagine 390 with aspartic acid.
Molecular consequence: missense variant. On other transcripts: non-coding transcript variant (1), intron variant (2).
Genome position (GRCh38, 1-based): chr15:25,371,006, T>C on the plus strand (A>G on the coding strand, the complement: UBE3A is on the minus strand). VCF-style: chr15-25371006-T-C. GRCh37 (hg19) VCF-style: chr15-25616153-T-C.
Other names: c.301+4459A>G (NM_001354551.2); c.361+4459A>G (NM_001354550.2); c.1177A>G, p.Asn393Asp (NM_000462.5); c.1168A>G, p.Asn390Asp (NM_001354505.1, NM_001354538.2, NM_001354545.2); c.1108A>G, p.Asn370Asp (NM_001354506.2, NM_001354507.2, NM_001354508.2 and 17 more transcripts); c.991A>G, p.Asn331Asp (NM_001354546.2); short protein forms N390D, N331D, N370D, N393D.
Identifiers: ClinVar variation 1485850 (VCV001485850.4), dbSNP rs765910610, ClinGen allele CA7435554.
Genomic context (GRCh38, chr15:25,371,006, plus strand): 5'-AAAGTTCCTGAAGTGTCAGCTCGCTGGACTCAGGGATGGGCTCTTCATCATCTTCTTCAT[T>C]GTGATTTGTGTCCACTTCCCCTCCCACTACATTTGCATAGTAAACCATTTTCAAGCACTT-3'
Protein context (NP_570854.1, residues 380-400): VVGGEVDTNH[Asn390Asp]EEDDEEPIPE